The following is an entry in ClinVar:

ClinVar aggregate classification (germline): Uncertain significance. Review status: criteria provided, multiple submitters, no conflicts (2 of 4 stars). 2 submissions from 2 submitters: Uncertain significance (2). Last evaluated 2025-09-28.

Conditions:
Hereditary cancer-predisposing syndrome. Also called: Tumor predisposition; Neoplastic Syndromes, Hereditary; Hereditary Cancer Syndrome; Hereditary neoplastic syndrome. Identifiers: Orphanet 140162, MedGen C0027672, MeSH D009386, MONDO:0015356.
Bloom syndrome (BLM). Also called: Bloom-Torre-Machacek syndrome. Identifiers: Orphanet 125, MedGen C0005859, MONDO:0008876, OMIM 210900.

Submissions (2):

Labcorp Genetics (formerly Invitae), Labcorp
Classification: Uncertain significance for Bloom syndrome. Last evaluated: 2025-09-28. Review status: criteria provided, single submitter. Criteria: Invitae Variant Classification Sherloc (09022015). Collection method: clinical testing. Allele origin: germline.
Comment: This sequence change replaces leucine, which is neutral and non-polar, with valine, which is neutral and non-polar, at codon 341 of the BLM protein (p.Leu341Val). This variant is not present in population databases (gnomAD no frequency). This variant has not been reported in the literature in individuals affected with BLM-related conditions. ClinVar contains an entry for this variant (Variation ID: 3480921). Invitae Evidence Modeling of protein sequence and biophysical properties (such as structural, functional, and spatial information, amino acid conservation, physicochemical variation, residue mobility, and thermodynamic stability) indicates that this missense variant is not expected to disrupt BLM protein function with a negative predictive value of 80%. In summary, the available evidence is currently insufficient to determine the role of this variant in disease. Therefore, it has been classified as a Variant of Uncertain Significance.

Ambry Genetics
Classification: Uncertain significance for Hereditary cancer-predisposing syndrome. Last evaluated: 2024-12-07. Review status: criteria provided, single submitter. Criteria: Ambry Variant Classification Scheme 2023. Collection method: clinical testing. Allele origin: germline.

NM_000057.4(BLM):c.1021C>G (p.Leu341Val)

Gene: BLM (BLM RecQ like helicase; plus strand). Cytogenetic location: 15q26.1.
Variant type: single nucleotide variant.
Coding change: c.1021C>G on transcript NM_000057.4 (MANE Select); coding-DNA position 1021, C replaced by G.
Protein change: p.Leu341Val; replaces leucine 341 with valine.
Molecular consequence: missense variant. On other transcripts: 5 prime UTR variant (1).
Genome position (GRCh38, 1-based): chr15:90,754,872, C>G. VCF-style: chr15-90754872-C-G. GRCh37 (hg19) VCF-style: chr15-91298102-C-G.
Other names: c.1021C>G, p.Leu341Val (NM_001287246.2, NM_001287247.2); c.-271C>G (NM_001287248.2); short protein forms L341V.
Identifiers: ClinVar variation 3480921 (VCV003480921.2).